The following is an entry in ClinVar:

NM_001142800.2(EYS):c.1505_1506insGA (p.Phe502fs)

Gene: EYS (EGF-like photoreceptor maintenance factor; minus strand). Cytogenetic location: 6q12.
Variant type: Insertion.
Coding change: c.1505_1506insGA on transcript NM_001142800.2 (MANE Select); coding-DNA positions 1505 to 1506, GA inserted.
Protein change: p.Phe502fs; shifts the reading frame from phenylalanine 502.
Molecular consequence: frameshift variant.
Genome position: GRCh38 VCF-style: chr6-65344131-A-ATC. GRCh37 (hg19) VCF-style: chr6-66054024-A-ATC.
Other names: c.1505_1506insGA, p.Phe502fs (NM_001142801.2, NM_001292009.2, NM_198283.2); c.1505_1506insGA (NM_001142800.1); short protein forms F502fs.
Identifiers: ClinVar variation 2675301 (VCV002675301.4), dbSNP rs2533169906, ClinGen allele CA2679291094.

ClinVar aggregate classification (germline): Pathogenic (0 of 4 stars; one submission).

Conditions:
EYS-related disorder. Also called: EYS-related condition.

Allele frequency attached by ClinVar (database versions not stated): gnomAD exomes below 0.00001.

Submission:

PreventionGenetics, part of Exact Sciences
Classification: Pathogenic for EYS-related condition. Last evaluated: 2023-11-22. Review status: no assertion criteria provided. Collection method: clinical testing. Allele origin: germline.
Comment: The EYS c.1505_1506insGA variant is predicted to result in a frameshift and premature protein termination (p.Phe502Leufs*14). To our knowledge, this variant has not been reported in the literature or in a large population database, indicating this variant is rare. Frameshift variants in EYS are expected to be pathogenic. Therefore, we interpret this variant as pathogenic.